The following is an entry in ClinVar:

ClinVar aggregate classification (germline): Uncertain significance. Review status: criteria provided, multiple submitters, no conflicts (2 of 4 stars). 2 submissions from 2 submitters: Uncertain significance (2). Last evaluated 2022-01-14.

Conditions:
Idiopathic Pulmonary Fibrosis. Also called: Idiopathic fibrosing alveolitis, chronic form; idiopathic fibrosing alveolitis. Identifiers: Orphanet 2032, MedGen C1800706, MeSH D054990, MONDO:0800504.
Dyskeratosis congenita, autosomal dominant 2. Identifiers: MedGen C3151443, MONDO:0013521, OMIM 613989.
Dyskeratosis congenita. Identifiers: Orphanet 1775, MedGen C0265965, MONDO:0015780.

Submissions (2):

Ambry Genetics
Classification: Uncertain significance for Dyskeratosis congenita. Last evaluated: 2022-01-14. Review status: criteria provided, single submitter. Criteria: Ambry Variant Classification Scheme 2023. Collection method: clinical testing. Allele origin: germline.
Comment: The p.R222T variant (also known as c.665G>C), located in coding exon 2 of the TERT gene, results from a G to C substitution at nucleotide position 665. The arginine at codon 222 is replaced by threonine, an amino acid with similar properties. This amino acid position is conserved. In addition, the in silico prediction for this alteration is inconclusive. Since supporting evidence is limited at this time, the clinical significance of this alteration remains unclear.

Labcorp Genetics (formerly Invitae), Labcorp
Classification: Uncertain significance for Dyskeratosis congenita, autosomal dominant 2; Idiopathic Pulmonary Fibrosis. Last evaluated: 2021-08-24. Review status: criteria provided, single submitter. Criteria: Invitae Variant Classification Sherloc (09022015). Collection method: clinical testing. Allele origin: germline.
Comment: This sequence change replaces arginine with threonine at codon 222 of the TERT protein (p.Arg222Thr). The arginine residue is weakly conserved and there is a moderate physicochemical difference between arginine and threonine. This variant is not present in population databases (ExAC no frequency). This variant has not been reported in the literature in individuals affected with TERT-related conditions. Algorithms developed to predict the effect of missense changes on protein structure and function (SIFT, PolyPhen-2, Align-GVGD) all suggest that this variant is likely to be tolerated. In summary, the available evidence is currently insufficient to determine the role of this variant in disease. Therefore, it has been classified as a Variant of Uncertain Significance.

NM_198253.3(TERT):c.665G>C (p.Arg222Thr)

Gene: TERT (telomerase reverse transcriptase; minus strand). Cytogenetic location: 5p15.33.
Variant type: single nucleotide variant.
Coding change: c.665G>C on transcript NM_198253.3 (MANE Select); coding-DNA position 665, G replaced by C.
Protein change: p.Arg222Thr; replaces arginine 222 with threonine.
Molecular consequence: missense variant. On other transcripts: non-coding transcript variant (2).
Genome position (GRCh38, 1-based): chr5:1,294,221, C>G on the plus strand (G>C on the coding strand, the complement: TERT is on the minus strand). VCF-style: chr5-1294221-C-G. GRCh37 (hg19) VCF-style: chr5-1294336-C-G.
Other names: c.665G>C, p.Arg222Thr (NM_001193376.3); short protein forms R222T.
Identifiers: ClinVar variation 959593 (VCV000959593.9), dbSNP rs1751220663, ClinGen allele CA359057073.
Genomic context (GRCh38, chr5:1,294,221, plus strand): 5'-GCGCCACGCCTGGGCCTCTTGGGCAACGGCAGACTTCGGCTGGCACTGCCCCCGCGCCTC[C>G]TCGCACCCGGGGCTGGCAGGCCCAGGGGGACCCCGGCCTCCCTGACGCTATGGTTCCAGG-3'
Protein context (NP_937983.2, residues 212-232): VPLGLPAPGA[Arg222Thr]RRGGSASRSL